The following is an entry in ClinVar:

NM_032237.5(POMK):c.808G>A (p.Asp270Asn)

Gene: POMK (protein O-mannose kinase; plus strand). Cytogenetic location: 8p11.21.
Variant type: single nucleotide variant.
Coding change: c.808G>A on transcript NM_032237.5 (MANE Select); coding-DNA position 808, G replaced by A.
Protein change: p.Asp270Asn; replaces aspartic acid 270 with asparagine.
Molecular consequence: missense variant.
Genome position (GRCh38, 1-based): chr8:43,122,632, G>A. VCF-style: chr8-43122632-G-A. GRCh37 (hg19) VCF-style: chr8-42977775-G-A.
Other names: c.808G>A, p.Asp270Asn (NM_001277971.2); short protein forms D270N.
Identifiers: ClinVar variation 1365497 (VCV001365497.8), dbSNP rs1295331795, ClinGen allele CA371122710.
Genomic context (GRCh38, chr8:43,122,632, plus strand): 5'-CATGGGGATTTCGTGGCTCCAGAGCAACTGTGGCCCTATGGAGAGGACGTGCCTTTCCAC[G>A]ATGATCTCATGCCCTCATATGATGAGAAGATTGACATTTGGAAGATCCCAGACATCTCCA-3'
Protein context (NP_115613.1, residues 260-280): WPYGEDVPFH[Asp270Asn]DLMPSYDEKI

ClinVar aggregate classification (germline): Uncertain significance (1 of 4 stars; one submission).

Conditions:
Muscular dystrophy-dystroglycanopathy (congenital with brain and eye anomalies), type a, 12 (MDDGA12). Also called: WALKER-WARBURG SYNDROME OR MUSCLE-EYE-BRAIN DISEASE, POMK-RELATED. Identifiers: Orphanet 899, MedGen C3808964, MONDO:0014101, OMIM 615249.
Limb-girdle muscular dystrophy due to POMK deficiency. Also called: Muscular dystrophy-dystroglycanopathy (limb-girdle), type c, 12; MUSCULAR DYSTROPHY-DYSTROGLYCANOPATHY, LIMB-GIRDLE, POMK-RELATED. Identifiers: Orphanet 445110, MedGen C4015184, MONDO:0014489, OMIM 616094.

Allele frequency attached by ClinVar (database versions not stated): gnomAD exomes 0.00001; gnomAD 0.00001; TOPMed below 0.00001.

Submission:

Labcorp Genetics (formerly Invitae), Labcorp
Classification: Uncertain significance for Muscular dystrophy-dystroglycanopathy (congenital with brain and eye anomalies), type a, 12; Limb-girdle muscular dystrophy due to POMK deficiency. Last evaluated: 2025-09-15. Review status: criteria provided, single submitter. Criteria: Invitae Variant Classification Sherloc (09022015). Collection method: clinical testing. Allele origin: germline.
Comment: This sequence change replaces aspartic acid, which is acidic and polar, with asparagine, which is neutral and polar, at codon 270 of the POMK protein (p.Asp270Asn). This variant is not present in population databases (gnomAD no frequency). This variant has not been reported in the literature in individuals affected with POMK-related conditions. ClinVar contains an entry for this variant (Variation ID: 1365497). Invitae Evidence Modeling of protein sequence and biophysical properties (such as structural, functional, and spatial information, amino acid conservation, physicochemical variation, residue mobility, and thermodynamic stability) indicates that this missense variant is not expected to disrupt POMK protein function with a negative predictive value of 80%. In summary, the available evidence is currently insufficient to determine the role of this variant in disease. Therefore, it has been classified as a Variant of Uncertain Significance.